The following is an entry in ClinVar:

ClinVar aggregate classification (germline): Benign/Likely benign. Review status: criteria provided, multiple submitters, no conflicts (2 of 4 stars). 9 submissions from 9 submitters: Benign (1); Likely benign (7). 1 of the submissions does not count toward it. Last evaluated 2026-01-17.

Conditions:
Classic or attenuated familial adenomatous polyposis. Identifiers: MedGen CN372698, MONDO:0021057.
Hereditary cancer-predisposing syndrome. Also called: Tumor predisposition; Hereditary Cancer Syndrome; Hereditary neoplastic syndrome; Neoplastic Syndromes, Hereditary. Identifiers: Orphanet 140162, MedGen C0027672, MeSH D009386, MONDO:0015356.
Familial adenomatous polyposis 1 (FAP1). Also called: FAMILIAL ADENOMATOUS POLYPOSIS 1, ATTENUATED; POLYPOSIS, ADENOMATOUS INTESTINAL. Identifiers: MedGen C2713442, MONDO:0021056, OMIM 175100. Disease mechanism: loss of function.

Allele frequency attached by ClinVar (database versions not stated): gnomAD exomes 0.00001 and 0.00005; ExAC 0.00005; ESP Exome Variant Server 0.00008; TOPMed 0.00012; gnomAD 0.00019 and 0.00021.
gnomAD v4.1: 47 of 1,613,150 alleles (0.0029%); highest among the groups gnomAD compares: African/African-American, 0.051%; 1 homozygote.

Submissions (9):

Labcorp Genetics (formerly Invitae), Labcorp
Classification: Likely benign for Familial adenomatous polyposis 1. Last evaluated: 2026-01-17. Review status: criteria provided, single submitter. Criteria: Invitae Variant Classification Sherloc (09022015). Collection method: clinical testing. Allele origin: germline.

All of Us Research Program, National Institutes of Health
Classification: Likely benign for Classic or attenuated familial adenomatous polyposis. Last evaluated: 2024-02-05. Review status: criteria provided, single submitter. Criteria: ACMG Guidelines, 2015. Collection method: clinical testing. Allele origin: germline. Inheritance: Autosomal dominant inheritance. Observed: 8 variant alleles, 8 heterozygotes.
Comment: This study involves interpretation of variants in research participants for the purpose of population health screening. Participant phenotype was not available at the time of variant classification. Additional details can be found in publication PMID: 35346344, PMCID: PMC8962531

Myriad Genetics, Inc.
Classification: Benign for Familial adenomatous polyposis 1. Last evaluated: 2023-02-17. Review status: criteria provided, single submitter. Criteria: Myriad Autosomal Dominant, Autosomal Recessive and X-Linked Classification Criteria (2023). Collection method: clinical testing. Allele origin: unknown.
Comment: This variant is considered benign. This variant is a silent/synonymous amino acid change and it is not expected to impact splicing.

Sema4
Classification: Likely benign for Hereditary cancer-predisposing syndrome. Last evaluated: 2022-01-09. Review status: criteria provided, single submitter. Criteria: Sema4 Curation Guidelines. Collection method: curation. Allele origin: germline.

Women's Health and Genetics/Laboratory Corporation of America, LabCorp
Classification: Likely benign. Last evaluated: 2022-01-07. Review status: criteria provided, single submitter. Criteria: LabCorp Variant Classification Summary - May 2015. Collection method: clinical testing. Allele origin: germline.

GeneDx
Classification: Likely benign. Last evaluated: 2018-02-16. Review status: criteria provided, single submitter. Criteria: GeneDx Variant Classification (06012015). Collection method: clinical testing. Allele origin: germline. Affected: yes.
Comment: This variant is considered likely benign or benign based on one or more of the following criteria: it is a conservative change, it occurs at a poorly conserved position in the protein, it is predicted to be benign by multiple in silico algorithms, and/or has population frequency not consistent with disease.

Color Diagnostics, LLC DBA Color Health
Classification: Likely benign for Hereditary cancer-predisposing syndrome. Last evaluated: 2016-03-17. Review status: criteria provided, single submitter. Criteria: ACMG Guidelines, 2015. Collection method: clinical testing. Allele origin: germline.

Ambry Genetics
Classification: Likely benign for Hereditary cancer-predisposing syndrome. Last evaluated: 2014-10-14. Review status: criteria provided, single submitter. Criteria: Ambry Variant Classification Scheme 2023. Collection method: clinical testing. Allele origin: germline.

Counsyl
Classification: Uncertain significance for Familial adenomatous polyposis 1. Last evaluated: 2017-11-25. Review status: no assertion criteria provided. Collection method: clinical testing. Allele origin: unknown. Not counted in ClinVar's aggregate classification.

Literature cited by the submitters: PubMed 23159591 (cited by Counsyl).

NM_000038.6(APC):c.564A>G (p.Gln188=)

Gene: APC (APC regulator of Wnt signaling pathway; plus strand). Cytogenetic location: 5q22.2.
Variant type: single nucleotide variant.
Coding change: c.564A>G on transcript NM_000038.6 (MANE Select); coding-DNA position 564, A replaced by G.
Protein change: p.Gln188=; no amino-acid change (glutamine 188 retained).
Molecular consequence: synonymous variant. On other transcripts: 5 prime UTR variant (1).
Genome position (GRCh38, 1-based): chr5:112,780,822, A>G. VCF-style: chr5-112780822-A-G. GRCh37 (hg19) VCF-style: chr5-112116519-A-G.
Other names: c.564A>G, p.Gln188= (NM_001127510.3, NM_001354895.2, NM_001354896.2 and 2 more transcripts); c.594A>G, p.Gln198= (NM_001127511.3, NM_001354897.2, NM_001354902.2); c.489A>G, p.Gln163= (NM_001354898.2, NM_001354904.2); c.387A>G, p.Gln129= (NM_001354900.2, NM_001354901.2, NM_001354905.2); c.-472A>G (NM_001354906.2).
Identifiers: ClinVar variation 183974 (VCV000183974.24), dbSNP rs377493489, ClinGen allele CA010565.